The following is an entry in ClinVar:

NM_001009944.3(PKD1):c.641G>A (p.Cys214Tyr)

Gene: PKD1 (polycystin 1, transient receptor potential channel interacting; minus strand). Cytogenetic location: 16p13.3.
Variant type: single nucleotide variant.
Coding change: c.641G>A on transcript NM_001009944.3 (MANE Select); coding-DNA position 641, G replaced by A.
Protein change: p.Cys214Tyr; replaces cysteine 214 with tyrosine.
Molecular consequence: missense variant.
Genome position (GRCh38, 1-based): chr16:2,118,351, C>T on the plus strand (G>A on the coding strand, the complement: PKD1 is on the minus strand). VCF-style: chr16-2118351-C-T. GRCh37 (hg19) VCF-style: chr16-2168352-C-T.
Other names: c.641G>A, p.Cys214Tyr (NM_000296.4); short protein forms C214Y.
Identifiers: ClinVar variation 635505 (VCV000635505.5), dbSNP rs1596590574, ClinGen allele CA394394743.

ClinVar aggregate classification (germline): Pathogenic. Review status: criteria provided, single submitter (1 of 4 stars). 2 submissions from 2 submitters: Pathogenic (1). 1 of the submissions does not count toward it. Last evaluated 2026-07-09.

Conditions:
Polycystic kidney disease, adult type (PKD1). Also called: POLYCYSTIC KIDNEY DISEASE, ADULT, TYPE I; Polycystic Kidney, Autosomal Dominant; Polycystic Kidney Disease 1, Autosomal Dominant; Polycystic kidney disease 1; Polycystic kidney disease 1, severe; POLYCYSTIC KIDNEY DISEASE 1 WITH OR WITHOUT POLYCYSTIC LIVER DISEASE. Identifiers: MedGen C3149841, MONDO:0008263, OMIM 173900.
PKD1-related disorder. Also called: PKD1-related condition.

Submissions (2):

PreventionGenetics, part of Exact Sciences
Classification: Pathogenic for PKD1-related condition. Last evaluated: 2026-07-09. Review status: criteria provided, single submitter. Criteria: ACMG Guidelines, 2015. Collection method: clinical testing. Allele origin: germline.
Comment: The PKD1 c.641G>A variant is predicted to result in the amino acid substitution p.Cys214Tyr. This variant has been reported in a study of individuals with known or suspected autosomal dominant polycystic kidney disease (ADPKD) (Orisio et al. 2023. PubMed ID: 37231942). In addition, we have found this variant in multiple individuals with PKD at PreventionGenetics (internal data). An alternate substitution at the same amino acid (p.Cys214Gly) has been reported in two related individuals with ADPKD (Xu et al. 2018. PubMed ID: 29529603). The c.641G>A (p.Cys214Tyr) variant has not been reported in a large population database (gnomAD), indicating this variant is rare. Taken together, this variant is interpreted as pathogenic.

Bioscientia Institut fuer Medizinische Diagnostik GmbH, Sonic Healthcare
Classification: Likely pathogenic for Polycystic kidney disease, adult type. Last evaluated: 2019-12-05. Review status: no assertion criteria provided. Collection method: clinical testing. Allele origin: germline. Affected: yes. Not counted in ClinVar's aggregate classification.